The following is an entry in ClinVar:

ClinVar aggregate classification (germline): Likely pathogenic (1 of 4 stars; one submission).

Submission:

Labcorp Genetics (formerly Invitae), Labcorp
Classification: Likely pathogenic. Last evaluated: 2024-04-15. Review status: criteria provided, single submitter. Criteria: Invitae Variant Classification Sherloc (09022015). Collection method: clinical testing. Allele origin: germline.
Comment: This sequence change replaces alanine, which is neutral and non-polar, with proline, which is neutral and non-polar, at codon 385 of the FH protein (p.Ala385Pro). This variant is not present in population databases (gnomAD no frequency). This variant has not been reported in the literature in individuals affected with FH-related conditions. Advanced modeling of protein sequence and biophysical properties (such as structural, functional, and spatial information, amino acid conservation, physicochemical variation, residue mobility, and thermodynamic stability) performed at Invitae indicates that this missense variant is expected to disrupt FH protein function with a positive predictive value of 95%. This variant disrupts the p.Ala385 amino acid residue in FH. Other variant(s) that disrupt this residue have been determined to be pathogenic (PMID: 15937070; Invitae). This suggests that this residue is clinically significant, and that variants that disrupt this residue are likely to be disease-causing. In summary, the currently available evidence indicates that the variant is pathogenic, but additional data are needed to prove that conclusively. Therefore, this variant has been classified as Likely Pathogenic.

Literature cited by the submitters: PubMed 15937070.

NM_000143.4(FH):c.1153G>C (p.Ala385Pro)

Gene: FH (fumarate hydratase; minus strand). Cytogenetic location: 1q43.
Variant type: single nucleotide variant.
Coding change: c.1153G>C on transcript NM_000143.4 (MANE Select); coding-DNA position 1153, G replaced by C.
Protein change: p.Ala385Pro; replaces alanine 385 with proline.
Molecular consequence: missense variant.
Genome position (GRCh38, 1-based): chr1:241,502,526, C>G on the plus strand (G>C on the coding strand, the complement: FH is on the minus strand). VCF-style: chr1-241502526-C-G. GRCh37 (hg19) VCF-style: chr1-241665826-C-G.
Other names: short protein forms A385P.
Identifiers: ClinVar variation 3649906 (VCV003649906.2).